The following is an entry in ClinVar:

ClinVar aggregate classification (germline): Likely pathogenic. Review status: criteria provided, multiple submitters, no conflicts (2 of 4 stars). 2 submissions from 2 submitters: Likely pathogenic (2). Last evaluated 2019-09-01.

Conditions:
Orofaciodigital syndrome type 6 (OFD6). Also called: OROFACIODIGITAL SYNDROME VI; OFDS VI; POLYDACTYLY, CLEFT LIP/PALATE OR LINGUAL LUMP, AND PSYCHOMOTOR RETARDATION; VARADI SYNDROME; VARADI-PAPP SYNDROME; Oral-facial-digital syndrome type 6. Identifiers: Orphanet 2754, MedGen C2745997, MONDO:0010176, OMIM 277170.
Joubert syndrome 17 (JBTS17). Identifiers: Orphanet 475, MedGen C3553264, MONDO:0013824, OMIM 614615.

Allele frequency attached by ClinVar (database versions not stated): TOPMed below 0.00001; gnomAD exomes 0.00001.
gnomAD v4.1: 2 of 1,545,364 alleles (0.00013%); highest among the groups gnomAD compares: East Asian, 0.0025%; no homozygotes.

Submissions (2):

CeGaT Center for Human Genetics Tuebingen
Classification: Likely pathogenic. Last evaluated: 2019-09-01. Review status: criteria provided, single submitter. Criteria: CeGaT Center For Human Genetics Tuebingen Variant Classification Criteria Version 2. Collection method: clinical testing. Allele origin: germline. Affected: yes. Observed: 1 variant allele.

Juno Genomics, Hangzhou Juno Genomics, Inc
Classification: Likely pathogenic for Joubert syndrome 17; Orofaciodigital syndrome type 6. Review status: criteria provided, single submitter. Criteria: ACMG Guidelines, 2015. Collection method: clinical testing. Allele origin: germline.
Comment: Null variant in a gene where loss of function (LOF) is a known mechanism of disease.;Absent from controls (or at extremely low frequency if recessive) in Genome Aggregation Database.

NM_001384732.1(CPLANE1):c.650G>A (p.Trp217Ter)

Gene: CPLANE1 (ciliogenesis and planar polarity effector complex subunit 1; minus strand). Cytogenetic location: 5p13.2.
Variant type: single nucleotide variant.
Coding change: c.650G>A on transcript NM_001384732.1 (MANE Select); coding-DNA position 650, G replaced by A.
Protein change: p.Trp217Ter; replaces tryptophan 217 with a stop codon.
Molecular consequence: nonsense.
Genome position (GRCh38, 1-based): chr5:37,243,040, C>T on the plus strand (G>A on the coding strand, the complement: CPLANE1 is on the minus strand). VCF-style: chr5-37243040-C-T. GRCh37 (hg19) VCF-style: chr5-37243142-C-T.
Other names: c.650G>A, p.Trp217Ter (NM_023073.4); short protein forms W217*.
Identifiers: ClinVar variation 871487 (VCV000871487.42), dbSNP rs1561717823, ClinGen allele CA359518988.